The following is an entry in ClinVar:

ClinVar aggregate classification (germline): Likely pathogenic. Review status: criteria provided, multiple submitters, no conflicts (2 of 4 stars). 2 submissions from 2 submitters: Likely pathogenic (2). Last evaluated 2023-04-24.

Conditions:
RASopathy. Also called: rasopathies; Noonan spectrum disorder. Identifiers: Orphanet 536391, MedGen C5555857, MONDO:0021060.

Submissions (2):

Labcorp Genetics (formerly Invitae), Labcorp
Classification: Likely pathogenic for RASopathy. Last evaluated: 2023-04-24. Review status: criteria provided, single submitter. Criteria: Invitae Variant Classification Sherloc (09022015). Collection method: clinical testing. Allele origin: germline.
Comment: In summary, the currently available evidence indicates that the variant is pathogenic, but additional data are needed to prove that conclusively. Therefore, this variant has been classified as Likely Pathogenic. This variant disrupts the p.Ser257 amino acid residue in RAF1. Other variant(s) that disrupt this residue have been determined to be pathogenic (PMID: 17603482, 17603483, 20052757, 22389993, 23877478). This suggests that this residue is clinically significant, and that variants that disrupt this residue are likely to be disease-causing. Advanced modeling of protein sequence and biophysical properties (such as structural, functional, and spatial information, amino acid conservation, physicochemical variation, residue mobility, and thermodynamic stability) performed at Invitae indicates that this missense variant is expected to disrupt RAF1 protein function. ClinVar contains an entry for this variant (Variation ID: 618340). This variant has not been reported in the literature in individuals affected with RAF1-related conditions. This variant is not present in population databases (gnomAD no frequency). This sequence change replaces serine, which is neutral and polar, with threonine, which is neutral and polar, at codon 257 of the RAF1 protein (p.Ser257Thr).

ARUP Laboratories, Molecular Genetics and Genomics, ARUP Laboratories
Classification: Likely pathogenic. Last evaluated: 2017-06-07. Review status: criteria provided, single submitter. Criteria: ARUP Molecular Germline Variant Investigation Process. Collection method: clinical testing. Allele origin: germline.

Literature cited by the submitters: PubMed 17603482 (cited by Labcorp Genetics (formerly Invitae), Labcorp); PubMed 17603483 (cited by Labcorp Genetics (formerly Invitae), Labcorp); PubMed 20052757 (cited by Labcorp Genetics (formerly Invitae), Labcorp); PubMed 22389993 (cited by Labcorp Genetics (formerly Invitae), Labcorp); PubMed 23877478 (cited by Labcorp Genetics (formerly Invitae), Labcorp).

NM_002880.4(RAF1):c.769T>A (p.Ser257Thr)

Gene: RAF1 (Raf-1 proto-oncogene, serine/threonine kinase; minus strand). Cytogenetic location: 3p25.2.
Variant type: single nucleotide variant.
Coding change: c.769T>A on transcript NM_002880.4 (MANE Select); coding-DNA position 769, T replaced by A.
Protein change: p.Ser257Thr; replaces serine 257 with threonine.
Molecular consequence: missense variant. On other transcripts: non-coding transcript variant (3).
Genome position (GRCh38, 1-based): chr3:12,604,201, A>T on the plus strand (T>A on the coding strand, the complement: RAF1 is on the minus strand). VCF-style: chr3-12604201-A-T. GRCh37 (hg19) VCF-style: chr3-12645700-A-T.
Other names: c.769T>A, p.Ser257Thr (NM_001354689.3, NM_001354690.3); c.526T>A, p.Ser176Thr (NM_001354691.3, NM_001354692.3, NM_001354694.3); c.670T>A, p.Ser224Thr (NM_001354693.3); c.427T>A, p.Ser143Thr (NM_001354695.3); short protein forms S257T, S176T, S143T, S224T.
Identifiers: ClinVar variation 618340 (VCV000618340.15), dbSNP rs727505017, ClinGen allele CA351512469.
Genomic context (GRCh38, chr3:12,604,201, plus strand): 5'-TCATCCTGCTGTCCACAGGCAGGGTGGTGCTGACCATGTGGACATTAGGTGTGGATGTCG[A>T]CCTCTGCCTCTGGGAGAGGGAACCTTCAGATGAGGGACTGGAGGTGTTAAAGGTGAAGGC-3'
Protein context (NP_002871.1, residues 247-267): SEGSLSQRQR[Ser257Thr]TSTPNVHMVS